The following is an entry in ClinVar:

NM_000981.4(RPL19):c.89A>G (p.Asn30Ser)

Gene: RPL19 (ribosomal protein L19; plus strand). Cytogenetic location: 17q12.
Variant type: single nucleotide variant.
Coding change: c.89A>G on transcript NM_000981.4 (MANE Select); coding-DNA position 89, A replaced by G.
Protein change: p.Asn30Ser; replaces asparagine 30 with serine.
Molecular consequence: missense variant.
Genome position (GRCh38, 1-based): chr17:39,201,296, A>G. VCF-style: chr17-39201296-A-G. GRCh37 (hg19) VCF-style: chr17-37357549-A-G.
Other names: c.83A>G, p.Asn28Ser (NM_001330200.1); short protein forms N30S, N28S.
Identifiers: ClinVar variation 3708987 (VCV003708987.2).

ClinVar aggregate classification (germline): Uncertain significance (1 of 4 stars; one submission).

Submission:

Labcorp Genetics (formerly Invitae), Labcorp
Classification: Uncertain significance. Last evaluated: 2024-05-15. Review status: criteria provided, single submitter. Criteria: Invitae Variant Classification Sherloc (09022015). Collection method: clinical testing. Allele origin: germline.
Comment: This sequence change replaces asparagine, which is neutral and polar, with serine, which is neutral and polar, at codon 30 of the RPL19 protein (p.Asn30Ser). This variant is present in population databases (rs767899120, gnomAD 0.003%). This variant has not been reported in the literature in individuals affected with RPL19-related conditions. An algorithm developed to predict the effect of missense changes on protein structure and function (PolyPhen-2) suggests that this variant is likely to be tolerated. In summary, the available evidence is currently insufficient to determine the role of this variant in disease. Therefore, it has been classified as a Variant of Uncertain Significance.